The following is an entry in ClinVar:

ClinVar aggregate classification (germline): Uncertain significance (1 of 4 stars; one submission).

Conditions:
Primary ciliary dyskinesia. Also called: Ciliary dyskinesia. Identifiers: Orphanet 244, MedGen C0008780, MONDO:0016575, HP:0012265.

Allele frequency attached by ClinVar (database versions not stated): TOPMed below 0.00001; gnomAD exomes 0.00001.
gnomAD v4.1: 14 of 1,611,726 alleles (0.00087%); highest among the groups gnomAD compares: Admixed American, 0.0017%; no homozygotes.

Submission:

Labcorp Genetics (formerly Invitae), Labcorp
Classification: Uncertain significance for Primary ciliary dyskinesia. Last evaluated: 2022-05-06. Review status: criteria provided, single submitter. Criteria: Invitae Variant Classification Sherloc (09022015). Collection method: clinical testing. Allele origin: germline.
Comment: This sequence change replaces tyrosine, which is neutral and polar, with cysteine, which is neutral and slightly polar, at codon 367 of the DNAH8 protein (p.Tyr367Cys). This variant is present in population databases (no rsID available, gnomAD 0.003%). This variant has not been reported in the literature in individuals affected with DNAH8-related conditions. Algorithms developed to predict the effect of missense changes on protein structure and function are either unavailable or do not agree on the potential impact of this missense change (SIFT: "Deleterious"; PolyPhen-2: "Not Available"; Align-GVGD: "Class C0"). Algorithms developed to predict the effect of sequence changes on RNA splicing suggest that this variant may disrupt the consensus splice site. In summary, the available evidence is currently insufficient to determine the role of this variant in disease. Therefore, it has been classified as a Variant of Uncertain Significance.

NM_001206927.2(DNAH8):c.1100A>G (p.Tyr367Cys)

Gene: DNAH8 (dynein axonemal heavy chain 8; plus strand). Cytogenetic location: 6p21.2.
Variant type: single nucleotide variant.
Coding change: c.1100A>G on transcript NM_001206927.2 (MANE Select); coding-DNA position 1100, A replaced by G.
Protein change: p.Tyr367Cys; replaces tyrosine 367 with cysteine.
Molecular consequence: missense variant.
Genome position (GRCh38, 1-based): chr6:38,737,956, A>G. VCF-style: chr6-38737956-A-G. GRCh37 (hg19) VCF-style: chr6-38705732-A-G.
Other names: c.449A>G, p.Tyr150Cys (NM_001371.4); short protein forms Y150C, Y367C.
Identifiers: ClinVar variation 2191500 (VCV002191500.4), dbSNP rs1414912825, ClinGen allele CA363987384.